The following is an entry in ClinVar:

ClinVar aggregate classification (germline): Uncertain significance (1 of 4 stars; one submission).

Conditions:
GRN-related frontotemporal lobar degeneration with Tdp43 inclusions (FTD2). Also called: DEMENTIA, HEREDITARY DYSPHASIC DISINHIBITION; FRONTOTEMPORAL LOBAR DEGENERATION WITH UBIQUITIN-POSITIVE INCLUSIONS; FTLD-TDP, GRN-RELATED; GRN Frontotemporal Dementia; FRONTOTEMPORAL DEMENTIA WITH TDP43 INCLUSIONS, GRN-RELATED. Identifiers: Orphanet 100070, Orphanet 282, MedGen C1843792, MONDO:0011842, OMIM 607485. Disease mechanism: loss of function.
Neuronal ceroid lipofuscinosis 11. Also called: GRN-Related Neuronal Ceroid-Lipofuscinosis. Identifiers: Orphanet 314629, Orphanet 79262, MedGen C3539123, MONDO:0013866, OMIM 614706.

Allele frequency attached by ClinVar (database versions not stated): ExAC 0.00002.

Submission:

Labcorp Genetics (formerly Invitae), Labcorp
Classification: Uncertain significance for Neuronal ceroid lipofuscinosis 11; GRN-related frontotemporal lobar degeneration with Tdp43 inclusions. Last evaluated: 2023-11-27. Review status: criteria provided, single submitter. Criteria: Invitae Variant Classification Sherloc (09022015). Collection method: clinical testing. Allele origin: germline.
Comment: This sequence change replaces glutamine, which is neutral and polar, with leucine, which is neutral and non-polar, at codon 446 of the GRN protein (p.Gln446Leu). This variant is present in population databases (rs776948319, gnomAD 0.01%). This variant has not been reported in the literature in individuals affected with GRN-related conditions. Advanced modeling of protein sequence and biophysical properties (such as structural, functional, and spatial information, amino acid conservation, physicochemical variation, residue mobility, and thermodynamic stability) performed at Invitae indicates that this missense variant is expected to disrupt GRN protein function with a positive predictive value of 80%. In summary, the available evidence is currently insufficient to determine the role of this variant in disease. Therefore, it has been classified as a Variant of Uncertain Significance.

NM_002087.4(GRN):c.1337A>T (p.Gln446Leu)

Gene: GRN (granulin precursor; plus strand). Cytogenetic location: 17q21.31.
Variant type: single nucleotide variant.
Coding change: c.1337A>T on transcript NM_002087.4 (MANE Select); coding-DNA position 1337, A replaced by T.
Protein change: p.Gln446Leu; replaces glutamine 446 with leucine.
Molecular consequence: missense variant.
Genome position (GRCh38, 1-based): chr17:44,352,172, A>T. VCF-style: chr17-44352172-A-T. GRCh37 (hg19) VCF-style: chr17-42429540-A-T.
Other names: short protein forms Q446L.
Identifiers: ClinVar variation 2935223 (VCV002935223.3), dbSNP rs776948319, ClinGen allele CA8602174.